The following is an entry in ClinVar:

ClinVar aggregate classification (germline): Benign. Review status: criteria provided, multiple submitters, no conflicts (2 of 4 stars). 3 submissions from 3 submitters: Benign (3). Last evaluated 2026-02-02.

Conditions:
Progressive encephalopathy with leukodystrophy due to DECR deficiency. Identifiers: Orphanet 431361, MedGen C1857252, MONDO:0014464, OMIM 616034.

Allele frequency attached by ClinVar (database versions not stated): gnomAD exomes 0.00150 and 0.00339; ExAC 0.01114; ESP Exome Variant Server 0.01439; gnomAD 0.01615 and 0.01720; TOPMed 0.01851; 1000 Genomes Project 0.01977; 1000 Genomes Project 30x 0.02030.
gnomAD v4.1: 4,655 of 1,553,190 alleles (0.3%); highest among the groups gnomAD compares: African/African-American, 5.7%; 126 homozygotes.

Submissions (3):

Labcorp Genetics (formerly Invitae), Labcorp
Classification: Benign for Progressive encephalopathy with leukodystrophy due to DECR deficiency. Last evaluated: 2026-02-02. Review status: criteria provided, single submitter. Criteria: Invitae Variant Classification Sherloc (09022015). Collection method: clinical testing. Allele origin: germline.

GeneDx
Classification: Benign. Last evaluated: 2016-03-01. Review status: criteria provided, single submitter. Criteria: GeneDx Variant Classification (06012015). Collection method: clinical testing. Allele origin: germline. Affected: yes.
Comment: This variant is considered likely benign or benign based on one or more of the following criteria: it is a conservative change, it occurs at a poorly conserved position in the protein, it is predicted to be benign by multiple in silico algorithms, and/or has population frequency not consistent with disease.

Breakthrough Genomics
Classification: Benign. Review status: criteria provided, single submitter. Criteria: ACMG Guidelines, 2015. Collection method: not provided. Allele origin: germline. Inheritance: Autosomal recessive inheritance. Affected: yes.

NM_001085411.3(NADK2):c.359A>G (p.Lys120Arg)

Gene: NADK2 (NAD kinase 2, mitochondrial; minus strand). Cytogenetic location: 5p13.2.
Variant type: single nucleotide variant.
Coding change: c.359A>G on transcript NM_001085411.3 (MANE Select); coding-DNA position 359, A replaced by G.
Protein change: p.Lys120Arg; replaces lysine 120 with arginine.
Molecular consequence: missense variant. On other transcripts: 5 prime UTR variant (3).
Genome position (GRCh38, 1-based): chr5:36,227,507, T>C on the plus strand (A>G on the coding strand, the complement: NADK2 is on the minus strand). VCF-style: chr5-36227507-T-C. GRCh37 (hg19) VCF-style: chr5-36227609-T-C.
Other names: c.-131A>G (NM_001287340.2, NM_001287341.2, NM_153013.5); short protein forms K120R.
Identifiers: ClinVar variation 380586 (VCV000380586.11), dbSNP rs115795863, ClinGen allele CA3234763.
Genomic context (GRCh38, chr5:36,227,507, plus strand): 5'-CCAACCCAAGACCCAATCCCATAGACTTACCGTAAACTATCTATAATATGTTCTACATTT[T>C]TGGTGTGAATATGATGTCGTTCAAGAAGTCCACTGTAACTAGAGCCTTTCAATGCAAGCT-3'
Protein context (NP_001078880.1, residues 110-130): GLLERHHIHT[Lys120Arg]NVEHIIDSLR